The following is an entry in ClinVar:

ClinVar aggregate classification (germline): Pathogenic (1 of 4 stars; one submission).

Conditions:
Mucopolysaccharidosis type 6 (MPS6). Also called: N-ACETYLGALACTOSAMINE-4-SULFATASE DEFICIENCY; ARSB DEFICIENCY; ARYLSULFATASE B DEFICIENCY; MPS VI; MPS 6; Maroteaux Lamy syndrome. Identifiers: Orphanet 583, MedGen C0026709, MONDO:0009661, OMIM 253200.

Submission:

Labcorp Genetics (formerly Invitae), Labcorp
Classification: Pathogenic for Mucopolysaccharidosis type 6. Last evaluated: 2023-06-15. Review status: criteria provided, single submitter. Criteria: Invitae Variant Classification Sherloc (09022015). Collection method: clinical testing. Allele origin: germline.
Comment: This sequence change creates a premature translational stop signal (p.Leu75Trpfs*39) in the ARSB gene. It is expected to result in an absent or disrupted protein product. Loss-of-function variants in ARSB are known to be pathogenic (PMID: 17458871, 22133300). This variant is not present in population databases (gnomAD no frequency). This variant has not been reported in the literature in individuals affected with ARSB-related conditions. For these reasons, this variant has been classified as Pathogenic.

Literature cited by the submitters: PubMed 17458871; PubMed 22133300.

NM_000046.5(ARSB):c.223del (p.Leu75fs)

Genes: ARSB (arylsulfatase B; minus strand), LOC129994126 (ATAC-STARR-seq lymphoblastoid silent region 16127; plus strand). Cytogenetic location: 5q14.1.
Variant type: Deletion.
Coding change: c.223del on transcript NM_000046.5 (MANE Select); coding-DNA position 223, one base deleted (C; older notation c.223delC).
Protein change: p.Leu75fs; shifts the reading frame from leucine 75.
Molecular consequence: frameshift variant.
Genome position (GRCh38, 1-based): chr5:78,985,026, G deleted on the plus strand (C on the coding strand, the reverse complement: ARSB is on the minus strand). VCF-style (leftmost placement, unchanged base first): chr5-78985025-AG-A. GRCh37 (hg19) VCF-style: chr5-78280848-AG-A.
Other names: c.223del, p.Leu75fs (NM_198709.3); short protein forms L75fs.
Identifiers: ClinVar variation 2878069 (VCV002878069.3), dbSNP rs2530668714, ClinGen allele CA2739274788.